The following is an entry in ClinVar:

NM_001130438.3(SPTAN1):c.6159C>T (p.His2053=)

Gene: SPTAN1 (spectrin alpha, non-erythrocytic 1; plus strand). Cytogenetic location: 9q34.11.
Variant type: single nucleotide variant.
Coding change: c.6159C>T on transcript NM_001130438.3 (MANE Select); coding-DNA position 6159, C replaced by T.
Protein change: p.His2053=; no amino-acid change (histidine 2053 retained).
Molecular consequence: synonymous variant.
Genome position (GRCh38, 1-based): chr9:128,625,858, C>T. VCF-style: chr9-128625858-C-T. GRCh37 (hg19) VCF-style: chr9-131388137-C-T.
Other names: p.H2053H:CAC>CAT; p.His2053=; c.6084C>T, p.His2028= (NM_001195532.2); c.6159C>T, p.His2053= (NM_001363759.2); c.6099C>T, p.His2033= (NM_001363765.2); c.6144C>T, p.His2048= (NM_003127.4).
Identifiers: ClinVar variation 139307 (VCV000139307.45), dbSNP rs150902677, ClinGen allele CA293751.

ClinVar aggregate classification (germline): Benign/Likely benign. Review status: criteria provided, multiple submitters, no conflicts (2 of 4 stars). 8 submissions from 8 submitters: Benign (6); Likely benign (2). Last evaluated 2026-01-12.

Conditions:
Early-infantile DEE. Also called: Early infantile epileptic encephalopathy; Early infantile epileptic encephalopathy with suppression bursts; Ohtahara syndrome. Identifiers: Orphanet 1934, MedGen C0393706, MONDO:0800491.
Inborn genetic diseases. Identifiers: MedGen C0950123, MeSH D030342.
Developmental and epileptic encephalopathy, 5 (DEE5). Identifiers: Orphanet 3451, MedGen C3150731, MONDO:0013277, OMIM 613477.

Allele frequency attached by ClinVar (database versions not stated): ESP Exome Variant Server 0.00023; gnomAD exomes 0.00029 and 0.00067; TOPMed 0.00042; gnomAD 0.00045 and 0.00046; ExAC 0.00050.
gnomAD v4.1: 533 of 1,614,192 alleles (0.033%); highest among the groups gnomAD compares: Middle Eastern, 0.13%; 7 homozygotes.

Submissions (8):

Labcorp Genetics (formerly Invitae), Labcorp
Classification: Benign for Early-infantile DEE. Last evaluated: 2026-01-12. Review status: criteria provided, single submitter. Criteria: Invitae Variant Classification Sherloc (09022015). Collection method: clinical testing. Allele origin: germline.

CeGaT Center for Human Genetics Tuebingen
Classification: Likely benign. Last evaluated: 2025-09-01. Review status: criteria provided, single submitter. Criteria: CeGaT Center For Human Genetics Tuebingen Variant Classification Criteria Version 2. Collection method: clinical testing. Allele origin: germline. Affected: yes. Observed: 5 variant alleles.
Comment: SPTAN1: BP4, BP7

Mayo Clinic Laboratories, Mayo Clinic
Classification: Benign. Last evaluated: 2024-12-26. Review status: criteria provided, single submitter. Criteria: ACMG Guidelines, 2015. Collection method: clinical testing. Allele origin: germline. Observed: 2 variant alleles.
Comment: BA1, BS2, BP4, BP7

Blueprint Genetics
Classification: Likely benign. Last evaluated: 2024-10-30. Review status: criteria provided, single submitter. Criteria: ACMG Guidelines, 2015. Collection method: clinical testing. Allele origin: germline.

Genome-Nilou Lab
Classification: Benign for Developmental and epileptic encephalopathy, 5. Last evaluated: 2021-07-15. Review status: criteria provided, single submitter. Criteria: ACMG Guidelines, 2015. Collection method: clinical testing. Allele origin: germline. Affected: no.

Ambry Genetics
Classification: Benign for Inborn genetic diseases. Last evaluated: 2019-11-23. Review status: criteria provided, single submitter. Criteria: Ambry Variant Classification Scheme 2023. Collection method: clinical testing. Allele origin: germline.

Athena Diagnostics
Classification: Benign. Last evaluated: 2019-04-23. Review status: criteria provided, single submitter. Criteria: Athena Diagnostics Criteria. Collection method: clinical testing. Allele origin: germline.

GeneDx
Classification: Benign. Last evaluated: 2013-10-09. Review status: criteria provided, single submitter. Criteria: GeneDx Variant Classification (06012015). Collection method: clinical testing. Allele origin: germline. Affected: yes.
Comment: This variant is considered likely benign or benign based on one or more of the following criteria: it is a conservative change, it occurs at a poorly conserved position in the protein, it is predicted to be benign by multiple in silico algorithms, and/or has population frequency not consistent with disease.